The following is an entry in ClinVar:

ClinVar aggregate classification (germline): Benign/Likely benign. Review status: criteria provided, multiple submitters, no conflicts (2 of 4 stars). 5 submissions from 5 submitters: Benign (2); Likely benign (2). 1 of the submissions does not count toward it. Last evaluated 2025-12-13.

Conditions:
HMCN1-related disorder. Also called: HMCN1-related condition.
Age related macular degeneration 1 (ARMD1). Also called: MACULOPATHY, AGE-RELATED, 1. Identifiers: MedGen C1864205, MONDO:0011285, OMIM 603075.

Allele frequency attached by ClinVar (database versions not stated): gnomAD 0.00020 and 0.00029; TOPMed 0.00045; ExAC 0.00058; gnomAD exomes 0.00069; 1000 Genomes Project 30x 0.00203; 1000 Genomes Project 0.00240.
gnomAD v4.1: 561 of 1,614,088 alleles (0.035%); highest among the groups gnomAD compares: East Asian, 1.2%; 3 homozygotes.

Submissions (5):

Labcorp Genetics (formerly Invitae), Labcorp
Classification: Benign. Last evaluated: 2025-12-13. Review status: criteria provided, single submitter. Criteria: Invitae Variant Classification Sherloc (09022015). Collection method: clinical testing. Allele origin: germline.

Blueprint Genetics
Classification: Likely benign. Last evaluated: 2024-05-22. Review status: criteria provided, single submitter. Criteria: ACMG Guidelines, 2015. Collection method: clinical testing. Allele origin: germline.

Genome-Nilou Lab
Classification: Benign for Age related macular degeneration 1. Last evaluated: 2023-04-11. Review status: criteria provided, single submitter. Criteria: ACMG Guidelines, 2015. Collection method: clinical testing. Allele origin: germline. Affected: no.

Illumina Laboratory Services, Illumina
Classification: Likely benign for Age related macular degeneration 1. Last evaluated: 2018-01-12. Review status: criteria provided, single submitter. Criteria: ICSL Variant Classification Criteria 13 December 2019. Collection method: clinical testing. Allele origin: germline.
Comment: This variant was observed in the ICSL laboratory as part of a predisposition screen in an ostensibly healthy population. It had not been previously curated by ICSL or reported in the Human Gene Mutation Database (HGMD: prior to June 1st, 2018), and was therefore a candidate for classification through an automated scoring system. Utilizing variant allele frequency, disease prevalence and penetrance estimates, and inheritance mode, an automated score was calculated to assess if this variant is too frequent to cause the disease. Based on the score and internal cut-off values, a variant classified as likely benign is not then subjected to further curation. The score for this variant resulted in a classification of likely benign for this disease.

PreventionGenetics, part of Exact Sciences
Classification: Benign for HMCN1-related condition. Last evaluated: 2019-07-17. Review status: no assertion criteria provided. Collection method: clinical testing. Allele origin: germline. Not counted in ClinVar's aggregate classification.
Comment: This variant is classified as benign based on ACMG/AMP sequence variant interpretation guidelines (Richards et al. 2015 PMID: 25741868, with internal and published modifications).

NM_031935.3(HMCN1):c.36G>C (p.Leu12=)

Gene: HMCN1 (hemicentin 1; plus strand). Cytogenetic location: 1q25.3.
Variant type: single nucleotide variant.
Coding change: c.36G>C on transcript NM_031935.3 (MANE Select); coding-DNA position 36, G replaced by C.
Protein change: p.Leu12=; no amino-acid change (leucine 12 retained).
Molecular consequence: synonymous variant.
Genome position (GRCh38, 1-based): chr1:185,734,815, G>C. VCF-style: chr1-185734815-G-C. GRCh37 (hg19) VCF-style: chr1-185703947-G-C.
Identifiers: ClinVar variation 731788 (VCV000731788.17), dbSNP rs76631922, ClinGen allele CA1290731.